The following is an entry in ClinVar:

ClinVar aggregate classification (germline): Likely pathogenic. Review status: criteria provided, multiple submitters, no conflicts (2 of 4 stars). 3 submissions from 3 submitters: Likely pathogenic (3). Last evaluated 2023-03-28.

Conditions:
EPS8L2-related disorder. Also called: EPS8L2-related condition.
Hearing loss, autosomal recessive 106. Also called: DEAFNESS, AUTOSOMAL RECESSIVE 106. Identifiers: MedGen C4539954, MONDO:0033198, OMIM 617637.

Allele frequency attached by ClinVar (database versions not stated): gnomAD exomes 0.00003; gnomAD 0.00004 and 0.00005; TOPMed 0.00004.
gnomAD v4.1: 48 of 1,540,956 alleles (0.0031%); highest among the groups gnomAD compares: East Asian, 0.0049%; no homozygotes.

Submissions (3):

Blueprint Genetics
Classification: Likely pathogenic for EPS8L2-related disorders. Last evaluated: 2023-03-28. Review status: criteria provided, single submitter. Criteria: ACMG Guidelines, 2015. Collection method: clinical testing. Allele origin: germline. Affected: yes. Observed: 4 variant alleles.

CeGaT Center for Human Genetics Tuebingen
Classification: Likely pathogenic. Last evaluated: 2021-07-01. Review status: criteria provided, single submitter. Criteria: CeGaT Center For Human Genetics Tuebingen Variant Classification Criteria Version 2. Collection method: clinical testing. Allele origin: germline. Affected: yes. Observed: 1 variant allele.

Juno Genomics, Hangzhou Juno Genomics, Inc
Classification: Likely pathogenic for Hearing loss, autosomal recessive 106. Review status: criteria provided, single submitter. Criteria: ACMG Guidelines, 2015. Collection method: clinical testing. Allele origin: germline.
Comment: Null variant in a gene where loss of function (LOF) is a known mechanism of disease.;Absent from controls (or at extremely low frequency if recessive) in Genome Aggregation Database.

NM_022772.4(EPS8L2):c.493G>T (p.Glu165Ter)

Genes: EPS8L2 (EPS8 signaling adaptor L2; plus strand), LOC130005076 (ATAC-STARR-seq lymphoblastoid silent region 3016; plus strand). Cytogenetic location: 11p15.5.
Variant type: single nucleotide variant.
Coding change: c.493G>T on transcript NM_022772.4 (MANE Select); coding-DNA position 493, G replaced by T.
Protein change: p.Glu165Ter; replaces glutamic acid 165 with a stop codon.
Molecular consequence: nonsense.
Genome position (GRCh38, 1-based): chr11:720,845, G>T. VCF-style: chr11-720845-G-T. GRCh37 (hg19) VCF-style: chr11-720845-G-T.
Other names: short protein forms E165*.
Identifiers: ClinVar variation 1298503 (VCV001298503.37), dbSNP rs755290745, ClinGen allele CA5787178.